The following is an entry in ClinVar:

NM_194248.3(OTOF):c.5742G>A (p.Leu1914=)

Gene: OTOF (otoferlin; minus strand). Cytogenetic location: 2p23.3.
Variant type: single nucleotide variant.
Coding change: c.5742G>A on transcript NM_194248.3 (MANE Select); coding-DNA position 5742, G replaced by A.
Protein change: p.Leu1914=; no amino-acid change (leucine 1914 retained).
Molecular consequence: synonymous variant.
Genome position (GRCh38, 1-based): chr2:26,460,718, C>T on the plus strand (G>A on the coding strand, the complement: OTOF is on the minus strand). VCF-style: chr2-26460718-C-T. GRCh37 (hg19) VCF-style: chr2-26683586-C-T.
Other names: c.5742G>A, p.Leu1914= (NM_001287489.2); c.3441G>A, p.Leu1147= (NM_004802.4, NM_194323.3); c.3672G>A, p.Leu1224= (NM_194322.3).
Identifiers: ClinVar variation 48269 (VCV000048269.67), dbSNP rs141235641, ClinGen allele CA142947.

ClinVar aggregate classification (germline): Conflicting classifications of pathogenicity. Review status: criteria provided, conflicting classifications (1 of 4 stars). 9 submissions from 9 submitters: Uncertain significance (2); Benign (4); Likely benign (3). Last evaluated 2026-03-01.

Conditions:
Autosomal recessive nonsyndromic hearing loss 9. Also called: NEUROSENSORY NONSYNDROMIC RECESSIVE DEAFNESS 9; Deafness, autosomal recessive 9; OTOF-Related Hearing Loss; AUDITORY NEUROPATHY, AUTOSOMAL RECESSIVE, 1, TEMPERATURE-SENSITIVE. Identifiers: Orphanet 90636, MedGen C1832828, MONDO:0010986, OMIM 601071.

Allele frequency attached by ClinVar (database versions not stated): 1000 Genomes Project 0.00100; 1000 Genomes Project 30x 0.00125; TOPMed 0.00128; gnomAD exomes 0.00173 and 0.00184; ESP Exome Variant Server 0.00177; ExAC 0.00178; gnomAD 0.00186 and 0.00191.
gnomAD v4.1: 2,951 of 1,614,062 alleles (0.18%); highest among the groups gnomAD compares: Non-Finnish European, 0.21%; 5 homozygotes.

Submissions (9):

CeGaT Center for Human Genetics Tuebingen
Classification: Likely benign. Last evaluated: 2026-03-01. Review status: criteria provided, single submitter. Criteria: CeGaT Center For Human Genetics Tuebingen Variant Classification Criteria Version 2. Collection method: clinical testing. Allele origin: germline. Affected: yes. Observed: 5 variant alleles.
Comment: OTOF: BP4, BP7

Labcorp Genetics (formerly Invitae), Labcorp
Classification: Benign. Last evaluated: 2026-02-01. Review status: criteria provided, single submitter. Criteria: Invitae Variant Classification Sherloc (09022015). Collection method: clinical testing. Allele origin: germline.

Blueprint Genetics
Classification: Likely benign. Last evaluated: 2024-11-22. Review status: criteria provided, single submitter. Criteria: ACMG Guidelines, 2015. Collection method: clinical testing. Allele origin: germline.

Women's Health and Genetics/Laboratory Corporation of America, LabCorp
Classification: Benign. Last evaluated: 2023-11-14. Review status: criteria provided, single submitter. Criteria: LabCorp Variant Classification Summary - May 2015. Collection method: clinical testing. Allele origin: germline.

GeneDx
Classification: Likely benign. Last evaluated: 2021-05-12. Review status: criteria provided, single submitter. Criteria: GeneDx Variant Classification Process June 2021. Collection method: clinical testing. Allele origin: germline. Affected: yes.

Athena Diagnostics
Classification: Benign. Last evaluated: 2019-06-05. Review status: criteria provided, single submitter. Criteria: Athena Diagnostics Criteria. Collection method: clinical testing. Allele origin: germline.

Illumina Laboratory Services, Illumina
Classification: Uncertain significance for Autosomal recessive nonsyndromic hearing loss 9. Last evaluated: 2018-01-12. Review status: criteria provided, single submitter. Criteria: ICSL Variant Classification Criteria 13 December 2019. Collection method: clinical testing. Allele origin: germline.

Laboratory for Molecular Medicine, Mass General Brigham Personalized Medicine
Classification: Benign. Last evaluated: 2017-07-05. Review status: criteria provided, single submitter. Criteria: LMM Criteria. Collection method: clinical testing. Allele origin: germline. Observed: 14 variant alleles.
Comment: p.Leu1914Leu in exon 45 of OTOF: This variant is not expected to have clinical s ignificance because it does not alter an amino acid residue, is not located with in the splice consensus sequence, and has been identified in 0.3% (409/126530) o f European chromosomes including 2 homozygotes by the genome Aggregation Databas e (gnomAD; dbSNP rs141235641).

Eurofins Ntd Llc (ga)
Classification: Uncertain significance. Last evaluated: 2016-09-12. Review status: criteria provided, single submitter. Criteria: EGL Classification Definitions 2015. Collection method: clinical testing. Allele origin: germline. Observed: 2 variant alleles, 2 heterozygotes.